The following is an entry in ClinVar:

ClinVar aggregate classification (germline): Uncertain significance. Review status: criteria provided, multiple submitters, no conflicts (2 of 4 stars). 4 submissions from 4 submitters: Uncertain significance (4). Last evaluated 2025-11-18.

Conditions:
Hereditary spastic paraplegia 8 (SPG8). Also called: SPASTIC PARAPLEGIA 8, AUTOSOMAL DOMINANT. Identifiers: Orphanet 100989, MedGen C1863704, MONDO:0011339, OMIM 603563.
Ritscher-Schinzel syndrome. Also called: CRANIOCEREBELLOCARDIAC DYSPLASIA. Identifiers: Orphanet 7, MedGen C0796137, MONDO:0019078.

Allele frequency attached by ClinVar (database versions not stated): ExAC 0.00007; gnomAD 0.00004; TOPMed 0.00004; gnomAD exomes 0.00008.

Submissions (4):

Labcorp Genetics (formerly Invitae), Labcorp
Classification: Uncertain significance for Ritscher-Schinzel syndrome; Hereditary spastic paraplegia 8. Last evaluated: 2025-11-18. Review status: criteria provided, single submitter. Criteria: Invitae Variant Classification Sherloc (09022015). Collection method: clinical testing. Allele origin: germline.
Comment: This sequence change replaces aspartic acid, which is acidic and polar, with asparagine, which is neutral and polar, at codon 526 of the WASHC5 protein (p.Asp526Asn). This variant is present in population databases (rs766834356, gnomAD 0.03%). This variant has not been reported in the literature in individuals affected with WASHC5-related conditions. ClinVar contains an entry for this variant (Variation ID: 448882). Invitae Evidence Modeling of protein sequence and biophysical properties (such as structural, functional, and spatial information, amino acid conservation, physicochemical variation, residue mobility, and thermodynamic stability) indicates that this missense variant is expected to disrupt WASHC5 protein function with a positive predictive value of 80%. In summary, the available evidence is currently insufficient to determine the role of this variant in disease. Therefore, it has been classified as a Variant of Uncertain Significance.

GeneDx
Classification: Uncertain significance. Last evaluated: 2019-08-10. Review status: criteria provided, single submitter. Criteria: GeneDx Variant Classification Process June 2021. Collection method: clinical testing. Allele origin: germline. Affected: yes.
Comment: In silico analysis, which includes protein predictors and evolutionary conservation, supports a deleterious effect; Has not been previously published as pathogenic or benign to our knowledge

Illumina Laboratory Services, Illumina
Classification: Uncertain significance for Hereditary spastic paraplegia 8. Last evaluated: 2018-01-13. Review status: criteria provided, single submitter. Criteria: ICSL Variant Classification Criteria 13 December 2019. Collection method: clinical testing. Allele origin: germline.

Athena Diagnostics
Classification: Uncertain significance. Last evaluated: 2016-09-26. Review status: criteria provided, single submitter. Criteria: Athena Diagnostics Criteria. Collection method: clinical testing. Allele origin: germline.

NM_014846.4(WASHC5):c.1576G>A (p.Asp526Asn)

Gene: WASHC5 (WASH complex subunit 5; minus strand). Cytogenetic location: 8q24.13.
Variant type: single nucleotide variant.
Coding change: c.1576G>A on transcript NM_014846.4 (MANE Select); coding-DNA position 1576, G replaced by A.
Protein change: p.Asp526Asn; replaces aspartic acid 526 with asparagine.
Molecular consequence: missense variant.
Genome position (GRCh38, 1-based): chr8:125,059,488, C>T on the plus strand (G>A on the coding strand, the complement: WASHC5 is on the minus strand). VCF-style: chr8-125059488-C-T. GRCh37 (hg19) VCF-style: chr8-126071730-C-T.
Other names: c.1132G>A, p.Asp378Asn (NM_001330609.2); short protein forms D526N, D378N.
Identifiers: ClinVar variation 448882 (VCV000448882.10), dbSNP rs766834356, ClinGen allele CA4873778.